The following is an entry in ClinVar:

ClinVar aggregate classification (germline): Uncertain significance. Review status: criteria provided, multiple submitters, no conflicts (2 of 4 stars). 2 submissions from 2 submitters: Uncertain significance (2). Last evaluated 2025-02-08.

Conditions:
Inborn genetic diseases. Identifiers: MedGen C0950123, MeSH D030342.

Allele frequency attached by ClinVar (database versions not stated): gnomAD 0.00002; gnomAD exomes 0.00002 and 0.00006; ExAC 0.00005; TOPMed 0.00009.

Submissions (2):

Ambry Genetics
Classification: Uncertain significance for Inborn genetic diseases. Last evaluated: 2025-02-08. Review status: criteria provided, single submitter. Criteria: Ambry Variant Classification Scheme 2023. Collection method: clinical testing. Allele origin: germline.

Labcorp Genetics (formerly Invitae), Labcorp
Classification: Uncertain significance. Last evaluated: 2022-07-19. Review status: criteria provided, single submitter. Criteria: Invitae Variant Classification Sherloc (09022015). Collection method: clinical testing. Allele origin: germline.
Comment: This sequence change replaces glutamic acid, which is acidic and polar, with lysine, which is basic and polar, at codon 123 of the WISP3 protein (p.Glu123Lys). This variant is present in population databases (rs751421356, gnomAD 0.06%). This variant has not been reported in the literature in individuals affected with WISP3-related conditions. ClinVar contains an entry for this variant (Variation ID: 1680463). Algorithms developed to predict the effect of missense changes on protein structure and function are either unavailable or do not agree on the potential impact of this missense change (SIFT: "Deleterious"; PolyPhen-2: "Probably Damaging"; Align-GVGD: "Class C0"). In summary, the available evidence is currently insufficient to determine the role of this variant in disease. Therefore, it has been classified as a Variant of Uncertain Significance.

NM_198239.2(CCN6):c.367G>A (p.Glu123Lys)

Gene: CCN6 (cellular communication network factor 6; plus strand). Cytogenetic location: 6q21.
Variant type: single nucleotide variant.
Coding change: c.367G>A on transcript NM_198239.2 (MANE Select); coding-DNA position 367, G replaced by A.
Protein change: p.Glu123Lys; replaces glutamic acid 123 with lysine.
Molecular consequence: missense variant. On other transcripts: non-coding transcript variant (2).
Genome position (GRCh38, 1-based): chr6:112,064,775, G>A. VCF-style: chr6-112064775-G-A. GRCh37 (hg19) VCF-style: chr6-112385978-G-A.
Other names: c.367G>A, p.Glu123Lys (NM_003880.4); c.367G>A (NM_003880.3); short protein forms E123K.
Identifiers: ClinVar variation 1680463 (VCV001680463.7), dbSNP rs751421356, ClinGen allele CA3963992.